The following is an entry in ClinVar:

ClinVar aggregate classification (germline): Likely benign (1 of 4 stars; one submission).

Conditions:
RAI1-related disorder. Also called: RAI1-related condition.

Submission:

PreventionGenetics, part of Exact Sciences
Classification: Likely benign for RAI1-related condition. Last evaluated: 2025-10-17. Review status: criteria provided, single submitter. Criteria: ACMG Guidelines, 2015. Collection method: clinical testing. Allele origin: germline.
Comment: This variant is classified as likely benign based on ACMG/AMP sequence variant interpretation guidelines (Richards et al. 2015 PMID: 25741868, with internal and published modifications).

NM_030665.4(RAI1):c.5592G>A (p.Gly1864=)

Gene: RAI1 (retinoic acid induced 1; plus strand). Cytogenetic location: 17p11.2.
Variant type: single nucleotide variant.
Coding change: c.5592G>A on transcript NM_030665.4 (MANE Select); coding-DNA position 5592, G replaced by A.
Protein change: p.Gly1864=; no amino-acid change (glycine 1864 retained).
Molecular consequence: synonymous variant.
Genome position (GRCh38, 1-based): chr17:17,803,782, G>A. VCF-style: chr17-17803782-G-A. GRCh37 (hg19) VCF-style: chr17-17707096-G-A.
Identifiers: ClinVar variation 4993281 (VCV004993281.1).